The following is an entry in ClinVar:

NM_000092.5(COL4A4):c.3052G>C (p.Gly1018Arg)

Gene: COL4A4 (collagen type IV alpha 4 chain; minus strand). Cytogenetic location: 2q36.3.
Variant type: single nucleotide variant.
Coding change: c.3052G>C on transcript NM_000092.5 (MANE Select); coding-DNA position 3052, G replaced by C.
Protein change: p.Gly1018Arg; replaces glycine 1018 with arginine.
Molecular consequence: missense variant.
Genome position (GRCh38, 1-based): chr2:227,051,075, C>G on the plus strand (G>C on the coding strand, the complement: COL4A4 is on the minus strand). VCF-style: chr2-227051075-C-G. GRCh37 (hg19) VCF-style: chr2-227915791-C-G.
Other names: short protein forms G1018R.
Identifiers: ClinVar variation 3376678 (VCV003376678.3).

ClinVar aggregate classification (germline): Pathogenic/Likely pathogenic. Review status: criteria provided, multiple submitters, no conflicts (2 of 4 stars). 4 submissions from 4 submitters: Pathogenic (1); Likely pathogenic (3). Last evaluated 2025-06-03.

Conditions:
Hematuria, benign familial, 1 (BFH1). Also called: THIN MEMBRANE NEPHROPATHY. Identifiers: MedGen CN376803, MONDO:0007709, OMIM 141200.
Autosomal recessive Alport syndrome (ATS2). Also called: COL4A3-Related Nephropathy; COL4A4 Alport Syndrome and Thin Basement Membrane Nephropathy; Alport syndrome type 2; ALPORT SYNDROME 2, AUTOSOMAL RECESSIVE. Identifiers: Orphanet 63, Orphanet 88919, MedGen C4746745, MONDO:0008762, OMIM 203780.
Alport syndrome. Also called: Hemorrhagic familial nephritis; Hemorrhagic hereditary nephritis; Congenital hereditary hematuria. Identifiers: Orphanet 63, MedGen C1567741, MONDO:0018965.

gnomAD v4.1: 37 of 1,614,062 alleles (0.0023%); highest among the groups gnomAD compares: Non-Finnish European, 0.0031%; no homozygotes.

Submissions (4):

Myriad Genetics, Inc.
Classification: Likely pathogenic for Alport syndrome. Last evaluated: 2025-06-03. Review status: criteria provided, single submitter. Criteria: Myriad Autosomal Dominant, Autosomal Recessive and X-Linked Classification Criteria (2023). Collection method: clinical testing. Allele origin: unknown.
Comment: NM_000092.4(COL4A4):c.3052G>C(G1018R) is a missense variant classified as likely pathogenic in the context of Alport syndrome, COL4A4-related. G1018R has been observed in cases with relevant disease (PMID: 28780565, Alkanderi_2019_Thesis). Relevant functional assessments of this variant are not available in the literature. Internal structural analysis of the variant is supportive of pathogenicity. G1018R has been observed in referenced population frequency databases. In summary, NM_000092.4(COL4A4):c.3052G>C(G1018R) is a missense variant that has internal structural support for pathogenicity and has been observed more frequently in cases with the relevant disease than in healthy populations. Please note: this variant was assessed in the context of healthy population screening.

Revvity Omics, Revvity
Classification: Likely pathogenic. Last evaluated: 2024-08-20. Review status: criteria provided, single submitter. Criteria: ACMG Guidelines, 2015. Collection method: clinical testing. Allele origin: germline.

Fulgent Genetics
Classification: Pathogenic for Hematuria, benign familial, 1; Autosomal recessive Alport syndrome. Last evaluated: 2024-03-06. Review status: criteria provided, single submitter. Criteria: ACMG Guidelines, 2015. Collection method: clinical testing. Allele origin: germline.

Victorian Clinical Genetics Services, Murdoch Childrens Research Institute
Classification: Likely pathogenic for Alport syndrome. Last evaluated: 2022-02-02. Review status: criteria provided, single submitter. Criteria: ACMG Guidelines, 2015. Collection method: clinical testing. Allele origin: germline. Inheritance: Autosomal dominant inheritance. Affected: yes.
Comment: Based on the classification scheme VCGS_Germline_v1.3.4, this variant is classified as Likely pathogenic. Following criteria are met: 0103 - Loss of function is a known mechanism of disease for this gene and is associated with COL4A4-related nephropathy (MIM#203780). Dominant negative is a suspected mechanism of disease for this gene as it is a structural protein (PMIDs: 12028435, 24046192). (I) 0108 - This gene is associated with both recessive and dominant disease. Alport syndrome typically has biallelic inheritance, although rare cases of monoallelic inheritance have been reported (PMID: 28704582). TBMN and focal segmental glomerulosclerosis (FSGS) are associated with autosomal dominant inheritance (OMIM, PMIDs: 16467446, 17942953). (I) 0200 - Variant is predicted to result in a missense amino acid change from glycine to arginine. (I) 0251 - This variant is heterozygous. (I) 0304 - Variant is present in gnomAD v2 <0.01 for a recessive condition (4 heterozygotes, 0 homozygotes). (SP) 0309 - An alternative amino acid change at the same position has been observed in gnomAD (v2) (1 heterozygote, 0 homozygotes). (I) 0501 - Missense variant consistently predicted to be damaging by multiple in silico tools or highly conserved with a major amino acid change. (SP) 0601 - Variant is located in the well-established glycine position in a Gly-X-Y repeat motif of a collagen triple helix (DECIPHER). (SP) 0705 - No comparable missense variants have previous evidence for pathogenicity. (I) 0803 - This variant has limited previous evidence of pathogenicity in an unrelated individual. This variant has been observed in one individual with Alport syndrome, and was stated to track with the disease through their family, although the genotype data of other family members was not provided (PMID: 28780565). (SP) 1007 - No published functional evidence has been identified for this variant. (I) 1208 - Inheritance information for this variant is not currently available in this individual. (I) Legend: (SP) - Supporting pathogenic, (I) - Information, (SB) - Supporting benign

Literature cited by the submitters: PubMed 12028435 (cited by Victorian Clinical Genetics Services, Murdoch Childrens Research Institute); PubMed 16467446 (cited by Victorian Clinical Genetics Services, Murdoch Childrens Research Institute); PubMed 17942953 (cited by Victorian Clinical Genetics Services, Murdoch Childrens Research Institute); PubMed 24046192 (cited by Victorian Clinical Genetics Services, Murdoch Childrens Research Institute); PubMed 28704582 (cited by Victorian Clinical Genetics Services, Murdoch Childrens Research Institute); PubMed 28780565 (cited by Victorian Clinical Genetics Services, Murdoch Childrens Research Institute).